The following is an entry in ClinVar:

NC_000011.9:g.(?_72083996)_(72087051_?)del

Gene: CLPB (ClpB family mitochondrial disaggregase; minus strand). Cytogenetic location: 11q13.4.
Variant type: Deletion.
Identifiers: ClinVar variation 2426952 (VCV002426952.7).

ClinVar aggregate classification (germline): Likely pathogenic (1 of 4 stars; one submission).

Conditions:
3-methylglutaconic aciduria, type VIIB (MGCA7B). Also called: 3-methylglutaconic aciduria with cataracts, neurologic involvement and neutropenia; CLPB Deficiency; 3-methylglutaconic aciduria, type VII, with cataracts, neurologic involvement and neutropenia. Identifiers: Orphanet 445038, MedGen C5676893, MONDO:0014561, OMIM 616271.

Submission:

Labcorp Genetics (formerly Invitae), Labcorp
Classification: Likely pathogenic for 3-methylglutaconic aciduria, type VIIB. Last evaluated: 2022-09-01. Review status: criteria provided, single submitter. Criteria: Invitae Variant Classification Sherloc (09022015). Collection method: clinical testing. Allele origin: germline.
Comment: In summary, the currently available evidence indicates that the variant is pathogenic, but additional data are needed to prove that conclusively. Therefore, this variant has been classified as Likely Pathogenic. This variant has not been reported in the literature in individuals affected with CLPB-related conditions. This variant results in the deletion of part of exon 5 (c.647-2993_709del) of the CLPB gene. It is expected to disrupt RNA splicing. Variants that disrupt the donor or acceptor splice site typically lead to a loss of protein function (PMID: 16199547), and loss-of-function variants in CLPB are known to be pathogenic (PMID: 25597510, 28687938).

Literature cited by the submitters: PubMed 16199547; PubMed 25597510; PubMed 28687938.